The following is an entry in ClinVar:

ClinVar aggregate classification (germline): Uncertain significance (1 of 4 stars; one submission).

Submission:

Labcorp Genetics (formerly Invitae), Labcorp
Classification: Uncertain significance. Last evaluated: 2023-10-22. Review status: criteria provided, single submitter. Criteria: Invitae Variant Classification Sherloc (09022015). Collection method: clinical testing. Allele origin: germline.
Comment: This sequence change replaces serine, which is neutral and polar, with phenylalanine, which is neutral and non-polar, at codon 87 of the ERBIN protein (p.Ser87Phe). This variant is not present in population databases (gnomAD no frequency). This variant has not been reported in the literature in individuals affected with ERBIN-related conditions. An algorithm developed to predict the effect of missense changes on protein structure and function (PolyPhen-2) suggests that this variant is likely to be disruptive. In summary, the available evidence is currently insufficient to determine the role of this variant in disease. Therefore, it has been classified as a Variant of Uncertain Significance.

NM_001253697.2(ERBIN):c.260C>T (p.Ser87Phe)

Gene: ERBIN (erbb2 interacting protein; plus strand). Cytogenetic location: 5q12.3.
Variant type: single nucleotide variant.
Coding change: c.260C>T on transcript NM_001253697.2 (MANE Select); coding-DNA position 260, C replaced by T.
Protein change: p.Ser87Phe; replaces serine 87 with phenylalanine.
Molecular consequence: missense variant.
Genome position (GRCh38, 1-based): chr5:65,994,817, C>T. VCF-style: chr5-65994817-C-T. GRCh37 (hg19) VCF-style: chr5-65290645-C-T.
Other names: c.260C>T, p.Ser87Phe (NM_001253698.2, NM_001253699.2, NM_001253701.2 and 2 more transcripts); short protein forms S87F.
Identifiers: ClinVar variation 2771103 (VCV002771103.3), dbSNP rs2546615229, ClinGen allele CA359972262.